The following is an entry in ClinVar:

ClinVar aggregate classification (germline): Uncertain significance. Review status: criteria provided, multiple submitters, no conflicts (2 of 4 stars). 3 submissions from 3 submitters: Uncertain significance (3). Last evaluated 2025-12-29.

Conditions:
Emery-Dreifuss muscular dystrophy 5, autosomal dominant (EDMD5). Also called: EMERY-DREIFUSS MUSCULAR DYSTROPHY 5. Identifiers: Orphanet 261, MedGen C2751805, MONDO:0013072, OMIM 612999.

Allele frequency attached by ClinVar (database versions not stated): TOPMed 0.00003; 1000 Genomes Project 30x 0.00016; 1000 Genomes Project 0.00020.
gnomAD v4.1: 25 of 1,614,212 alleles (0.0015%); highest among the groups gnomAD compares: Middle Eastern, 0.016%; no homozygotes.

Submissions (3):

Labcorp Genetics (formerly Invitae), Labcorp
Classification: Uncertain significance for Emery-Dreifuss muscular dystrophy 5, autosomal dominant. Last evaluated: 2025-12-29. Review status: criteria provided, single submitter. Criteria: Invitae Variant Classification Sherloc (09022015). Collection method: clinical testing. Allele origin: germline.
Comment: This sequence change replaces arginine, which is basic and polar, with tryptophan, which is neutral and slightly polar, at codon 6892 of the SYNE2 protein (p.Arg6892Trp). This variant is present in population databases (rs534020975, gnomAD 0.003%). This variant has not been reported in the literature in individuals affected with SYNE2-related conditions. ClinVar contains an entry for this variant (Variation ID: 871223). An algorithm developed to predict the effect of missense changes on protein structure and function (PolyPhen-2) suggests that this variant is likely to be disruptive. In summary, the available evidence is currently insufficient to determine the role of this variant in disease. Therefore, it has been classified as a Variant of Uncertain Significance.

Athena Diagnostics
Classification: Uncertain significance. Last evaluated: 2025-06-02. Review status: criteria provided, single submitter. Criteria: Athena Diagnostics Criteria. Collection method: clinical testing. Allele origin: unknown.
Comment: Available data are insufficient to determine the clinical significance of the variant at this time. The frequency of this variant in the general population is uninformative in assessment of its pathogenicity. Polyphen and MutationTaster predict this amino acid change may be damaging to the protein.

CeGaT Center for Human Genetics Tuebingen
Classification: Uncertain significance. Last evaluated: 2019-08-01. Review status: criteria provided, single submitter. Criteria: CeGaT Center For Human Genetics Tuebingen Variant Classification Criteria Version 2. Collection method: clinical testing. Allele origin: germline. Affected: yes. Observed: 1 variant allele.

Literature cited by the submitters: PubMed 29420653 (cited by Athena Diagnostics).

NM_182914.3(SYNE2):c.20674C>T (p.Arg6892Trp)

Gene: SYNE2 (spectrin repeat containing nuclear envelope protein 2; plus strand). Cytogenetic location: 14q23.2.
Variant type: single nucleotide variant.
Coding change: c.20674C>T on transcript NM_182914.3 (MANE Select); coding-DNA position 20674, C replaced by T.
Protein change: p.Arg6892Trp; replaces arginine 6892 with tryptophan.
Molecular consequence: missense variant.
Genome position (GRCh38, 1-based): chr14:64,225,476, C>T. VCF-style: chr14-64225476-C-T. GRCh37 (hg19) VCF-style: chr14-64692194-C-T.
Other names: c.20674C>T (NM_182914.2); c.20608C>T, p.Arg6870Trp (NM_015180.6); c.1240C>T, p.Arg414Trp (NM_182910.2); c.1621C>T, p.Arg541Trp (NM_182913.4); short protein forms R6870W, R414W, R541W, R6892W.
Identifiers: ClinVar variation 871223 (VCV000871223.47), dbSNP rs534020975, ClinGen allele CA7224992.